The following is an entry in ClinVar:

ClinVar aggregate classification (germline): Uncertain significance. Review status: criteria provided, multiple submitters, no conflicts (2 of 4 stars). 2 submissions from 2 submitters: Uncertain significance (2). Last evaluated 2025-09-03.

Conditions:
PURA-related severe neonatal hypotonia-seizures-encephalopathy syndrome (NEDRIHF). Also called: PURA-Related Neurodevelopmental Disorders; NEURODEVELOPMENTAL DISORDER WITH NEONATAL RESPIRATORY INSUFFICIENCY, HYPOTONIA, AND FEEDING DIFFICULTIES. Identifiers: Orphanet 438213, Orphanet 438216, MedGen C4015357, MONDO:1060108, OMIM 616158, MONDO:0018580.

gnomAD v4.1: 3 of 1,579,180 alleles (0.00019%); highest among the groups gnomAD compares: Non-Finnish European, 0.00026%; no homozygotes.

Submissions (2):

Labcorp Genetics (formerly Invitae), Labcorp
Classification: Uncertain significance for PURA-related severe neonatal hypotonia-seizures-encephalopathy syndrome. Last evaluated: 2025-09-03. Review status: criteria provided, single submitter. Criteria: Invitae Variant Classification Sherloc (09022015). Collection method: clinical testing. Allele origin: germline.
Comment: This sequence change replaces histidine, which is basic and polar, with glutamine, which is neutral and polar, at codon 56 of the PURA protein (p.His56Gln). This variant is not present in population databases (gnomAD no frequency). This variant has not been reported in the literature in individuals affected with PURA-related conditions. ClinVar contains an entry for this variant (Variation ID: 1722842). Invitae Evidence Modeling of protein sequence and biophysical properties (such as structural, functional, and spatial information, amino acid conservation, physicochemical variation, residue mobility, and thermodynamic stability) indicates that this missense variant is not expected to disrupt PURA protein function with a negative predictive value of 95%. In summary, the available evidence is currently insufficient to determine the role of this variant in disease. Therefore, it has been classified as a Variant of Uncertain Significance.

GeneDx
Classification: Uncertain significance. Last evaluated: 2023-06-15. Review status: criteria provided, single submitter. Criteria: GeneDx Variant Classification Process June 2021. Collection method: clinical testing. Allele origin: germline. Affected: yes.
Comment: Not observed at significant frequency in large population cohorts (gnomAD); In silico analysis supports that this missense variant does not alter protein structure/function; Has not been previously published as pathogenic or benign to our knowledge

NM_005859.5(PURA):c.168C>G (p.His56Gln)

Gene: PURA (purine rich element binding protein A; plus strand). Cytogenetic location: 5q31.3.
Variant type: single nucleotide variant.
Coding change: c.168C>G on transcript NM_005859.5 (MANE Select); coding-DNA position 168, C replaced by G.
Protein change: p.His56Gln; replaces histidine 56 with glutamine.
Molecular consequence: missense variant.
Genome position (GRCh38, 1-based): chr5:140,114,349, C>G. VCF-style: chr5-140114349-C-G. GRCh37 (hg19) VCF-style: chr5-139493934-C-G.
Other names: short protein forms H56Q.
Identifiers: ClinVar variation 1722842 (VCV001722842.4), dbSNP rs750111075, ClinGen allele CA361489767.